The following is an entry in ClinVar:

NM_000416.3(IFNGR1):c.769_771del (p.Leu257del)

Gene: IFNGR1 (interferon gamma receptor 1; minus strand). Cytogenetic location: 6q23.3.
Variant type: Deletion.
Coding change: c.769_771del on transcript NM_000416.3 (MANE Select); coding-DNA positions 769 to 771, 3 bases deleted (CTC; older notation c.769_771delCTC).
Protein change: p.Leu257del; deletes leucine 257.
Molecular consequence: inframe deletion.
Genome position (GRCh38, 1-based): chr6:137,200,971-137,200,973, GAG deleted on the plus strand (CTC on the coding strand, the reverse complement: IFNGR1 is on the minus strand). VCF-style (leftmost placement, unchanged base first): chr6-137200970-AGAG-A. GRCh37 (hg19) VCF-style: chr6-137522107-AGAG-A.
Other names: c.739_741del, p.Leu247del (NM_001363526.1); c.646_648del, p.Leu216del (NM_001363527.1); short protein forms L257del, L216del, L247del.
Identifiers: ClinVar variation 1368478 (VCV001368478.8), dbSNP rs1407074048, ClinGen allele CA819535012.
Genomic context (GRCh38, chr6:137,200,970, plus strand): 5'-CCTTCAATGGATTAATTTTCTTAATATAAAAACAGATGAATACCAGGCTAAGCACTAGAA[AGAG>A]TAGTAAAGCAGCAACAACTGGAATCCAAAGAGAACCTTAAAAAAGGCAGAAATCACAAGT-3'

ClinVar aggregate classification (germline): Uncertain significance (1 of 4 stars; one submission).

Conditions:
Disseminated atypical mycobacterial infection. Identifiers: MedGen C0694566.

Allele frequency attached by ClinVar (database versions not stated): TOPMed below 0.00001.

Submission:

Labcorp Genetics (formerly Invitae), Labcorp
Classification: Uncertain significance for Disseminated atypical mycobacterial infection. Last evaluated: 2023-12-11. Review status: criteria provided, single submitter. Criteria: Invitae Variant Classification Sherloc (09022015). Collection method: clinical testing. Allele origin: germline.
Comment: This variant, c.769_771del, results in the deletion of 1 amino acid(s) of the IFNGR1 protein (p.Leu257del), but otherwise preserves the integrity of the reading frame. This variant is not present in population databases (gnomAD no frequency). This variant has not been reported in the literature in individuals affected with IFNGR1-related conditions. ClinVar contains an entry for this variant (Variation ID: 1368478). Experimental studies and prediction algorithms are not available or were not evaluated, and the functional significance of this variant is currently unknown. In summary, the available evidence is currently insufficient to determine the role of this variant in disease. Therefore, it has been classified as a Variant of Uncertain Significance.